The following is an entry in ClinVar:

ClinVar aggregate classification (germline): Uncertain significance. Review status: criteria provided, multiple submitters, no conflicts (2 of 4 stars). 4 submissions from 4 submitters: Uncertain significance (4). Last evaluated 2026-08-11.

Allele frequency attached by ClinVar (database versions not stated): ExAC 0.00031; gnomAD exomes 0.00036; TOPMed 0.00043; ESP Exome Variant Server 0.00050; gnomAD 0.00053 and 0.00054; 1000 Genomes Project 30x 0.00078; 1000 Genomes Project 0.00080.
gnomAD v4.1: 1,328 of 1,613,400 alleles (0.082%); highest among the groups gnomAD compares: Non-Finnish European, 0.11%; no homozygotes.

Submissions (4):

GeneDx
Classification: Uncertain significance. Last evaluated: 2026-08-11. Review status: criteria provided, single submitter. Criteria: GeneDx Variant Classification Process June 2021. Collection method: clinical testing. Allele origin: germline.
Comment: In silico analysis supports that this missense variant has a deleterious effect on protein structure/function; Has not been previously published as pathogenic or benign to our knowledge

Mayo Clinic Laboratories, Mayo Clinic
Classification: Uncertain significance. Last evaluated: 2025-02-04. Review status: criteria provided, single submitter. Criteria: ACMG Guidelines, 2015. Collection method: clinical testing. Allele origin: germline. Observed: 2 variant alleles.

Labcorp Genetics (formerly Invitae), Labcorp
Classification: Uncertain significance. Last evaluated: 2024-12-12. Review status: criteria provided, single submitter. Criteria: Invitae Variant Classification Sherloc (09022015). Collection method: clinical testing. Allele origin: germline.
Comment: This sequence change replaces phenylalanine, which is neutral and non-polar, with leucine, which is neutral and non-polar, at codon 128 of the MICU1 protein (p.Phe128Leu). This variant is present in population databases (rs193101399, gnomAD 0.08%). This variant has not been reported in the literature in individuals affected with MICU1-related conditions. ClinVar contains an entry for this variant (Variation ID: 1326063). Invitae Evidence Modeling of protein sequence and biophysical properties (such as structural, functional, and spatial information, amino acid conservation, physicochemical variation, residue mobility, and thermodynamic stability) indicates that this missense variant is expected to disrupt MICU1 protein function with a positive predictive value of 80%. In summary, the available evidence is currently insufficient to determine the role of this variant in disease. Therefore, it has been classified as a Variant of Uncertain Significance.

Blueprint Genetics
Classification: Uncertain significance. Last evaluated: 2024-09-18. Review status: criteria provided, single submitter. Criteria: ACMG Guidelines, 2015. Collection method: clinical testing. Allele origin: germline.

NM_001195518.2(MICU1):c.384C>G (p.Phe128Leu)

Gene: MICU1 (mitochondrial calcium uptake 1; minus strand). Cytogenetic location: 10q22.1.
Variant type: single nucleotide variant.
Coding change: c.384C>G on transcript NM_001195518.2 (MANE Select); coding-DNA position 384, C replaced by G.
Protein change: p.Phe128Leu; replaces phenylalanine 128 with leucine.
Molecular consequence: missense variant.
Genome position (GRCh38, 1-based): chr10:72,551,288, G>C on the plus strand (C>G on the coding strand, the complement: MICU1 is on the minus strand). VCF-style: chr10-72551288-G-C. GRCh37 (hg19) VCF-style: chr10-74311046-G-C.
Other names: p.Phe128Leu; c.384C>G, p.Phe128Leu (NM_001363513.2, NM_006077.4); short protein forms F128L.
Identifiers: ClinVar variation 1326063 (VCV001326063.11), dbSNP rs193101399, ClinGen allele CA5550285.